The following is an entry in ClinVar:

ClinVar aggregate classification (germline): Uncertain significance. Review status: criteria provided, multiple submitters, no conflicts (2 of 4 stars). 3 submissions from 3 submitters: Uncertain significance (3). Last evaluated 2024-09-12.

Conditions:
Gillespie syndrome (GLSP). Also called: Aniridia, cerebellar ataxia, and mental deficiency; Aniridia-cerebellar ataxia-intellectual disability syndrome. Identifiers: Orphanet 1065, MedGen C0431401, MONDO:0008795, OMIM 206700.
Spinocerebellar ataxia type 29 (SCA29). Also called: CEREBELLAR ATAXIA, CONGENITAL NONPROGRESSIVE, AUTOSOMAL DOMINANT; Spinocerebellar ataxia 29, congenital nonprogressive. Identifiers: Orphanet 208513, MedGen C1861732, MONDO:0007298, OMIM 117360.
Spinocerebellar ataxia type 15/16 (SCA15). Also called: Spinocerebellar Ataxia Type 15. Identifiers: Orphanet 98769, MedGen C1847725, MONDO:0011694, OMIM 606658.
Inborn genetic diseases. Identifiers: MedGen C0950123, MeSH D030342.

Allele frequency attached by ClinVar (database versions not stated): gnomAD 0.00001; gnomAD exomes 0.00002; TOPMed 0.00003; 1000 Genomes Project 30x 0.00016; ExAC 0.00016; 1000 Genomes Project 0.00020.
gnomAD v4.1: 31 of 1,614,004 alleles (0.0019%); highest among the groups gnomAD compares: East Asian, 0.067%; no homozygotes.

Submissions (3):

Labcorp Genetics (formerly Invitae), Labcorp
Classification: Uncertain significance. Last evaluated: 2024-09-12. Review status: criteria provided, single submitter. Criteria: Invitae Variant Classification Sherloc (09022015). Collection method: clinical testing. Allele origin: germline.
Comment: This sequence change replaces serine, which is neutral and polar, with cysteine, which is neutral and slightly polar, at codon 1762 of the ITPR1 protein (p.Ser1762Cys). This variant is present in population databases (rs533278808, gnomAD 0.2%). This missense change has been observed in individual(s) with gastrointestinal dysmotility (PMID: 34722792). ClinVar contains an entry for this variant (Variation ID: 2229381). Invitae Evidence Modeling of protein sequence and biophysical properties (such as structural, functional, and spatial information, amino acid conservation, physicochemical variation, residue mobility, and thermodynamic stability) has been performed for this missense variant. However, the output from this modeling did not meet the statistical confidence thresholds required to predict the impact of this variant on ITPR1 protein function. In summary, the available evidence is currently insufficient to determine the role of this variant in disease. Therefore, it has been classified as a Variant of Uncertain Significance.

Ambry Genetics
Classification: Uncertain significance for Inborn genetic diseases. Last evaluated: 2021-01-29. Review status: criteria provided, single submitter. Criteria: Ambry Variant Classification Scheme 2023. Collection method: clinical testing. Allele origin: germline.
Comment: Unlikely to be causative of ITPR1-related spinocerebellar ataxia (AD) Based on insufficient or conflicting evidence, the clinical significance of this alteration remains unclear.

Juno Genomics, Hangzhou Juno Genomics, Inc
Classification: Uncertain significance for Spinocerebellar ataxia type 29; Gillespie syndrome; Spinocerebellar ataxia type 15/16. Review status: criteria provided, single submitter. Criteria: ACMG Guidelines, 2015. Collection method: clinical testing. Allele origin: germline.
Comment: Absent from controls (or at extremely low frequency if recessive) in Genome Aggregation Database.;Multiple lines of computational evidence support a deleterious effect on the gene or gene product.

Literature cited by the submitters: PubMed 34722792 (cited by Labcorp Genetics (formerly Invitae), Labcorp).

NM_001378452.1(ITPR1):c.5473A>T (p.Ser1825Cys)

Gene: ITPR1 (inositol 1,4,5-trisphosphate receptor type 1; plus strand). Cytogenetic location: 3p26.1.
Variant type: single nucleotide variant.
Coding change: c.5473A>T on transcript NM_001378452.1 (MANE Select); coding-DNA position 5473, A replaced by T.
Protein change: p.Ser1825Cys; replaces serine 1825 with cysteine.
Molecular consequence: missense variant.
Genome position (GRCh38, 1-based): chr3:4,735,283, A>T. VCF-style: chr3-4735283-A-T. GRCh37 (hg19) VCF-style: chr3-4776967-A-T.
Other names: c.5329A>T, p.Ser1777Cys (NM_001099952.4); c.5428A>T, p.Ser1810Cys (NM_001168272.2); c.5284A>T, p.Ser1762Cys (NM_002222.7); short protein forms S1810C, S1825C, S1777C, S1762C.
Identifiers: ClinVar variation 2229381 (VCV002229381.7), dbSNP rs533278808, ClinGen allele CA2232344.